The following is an entry in ClinVar:

ClinVar aggregate classification (germline): Benign. Review status: criteria provided, single submitter (1 of 4 stars). 2 submissions from 2 submitters: Benign (1). 1 of the submissions does not count toward it. Last evaluated 2025-12-27.

Conditions:
NFKB2-related disorder. Also called: NFKB2-related condition.
Immunodeficiency, common variable, 10. Also called: DEFICIT IN ANTERIOR PITUITARY FUNCTION AND VARIABLE IMMUNODEFICIENCY; IMMUNODEFICIENCY, COMMON VARIABLE, WITH CENTRAL ADRENAL INSUFFICIENCY. Identifiers: MedGen C3809991, MONDO:0014260, OMIM 615577.

Allele frequency attached by ClinVar (database versions not stated): gnomAD 0.00003; ExAC 0.00009; TOPMed 0.00011; gnomAD exomes 0.00013.
gnomAD v4.1: 47 of 1,613,670 alleles (0.0029%); highest among the groups gnomAD compares: Admixed American, 0.077%; no homozygotes.

Submissions (2):

Labcorp Genetics (formerly Invitae), Labcorp
Classification: Benign for Immunodeficiency, common variable, 10. Last evaluated: 2025-12-27. Review status: criteria provided, single submitter. Criteria: Invitae Variant Classification Sherloc (09022015). Collection method: clinical testing. Allele origin: germline.

PreventionGenetics, part of Exact Sciences
Classification: Likely benign for NFKB2-related condition. Last evaluated: 2020-01-14. Review status: no assertion criteria provided. Collection method: clinical testing. Allele origin: germline. Not counted in ClinVar's aggregate classification.
Comment: This variant is classified as likely benign based on ACMG/AMP sequence variant interpretation guidelines (Richards et al. 2015 PMID: 25741868, with internal and published modifications).

NM_001322934.2(NFKB2):c.853-8C>A

Gene: NFKB2 (nuclear factor kappa B subunit 2; plus strand). Cytogenetic location: 10q24.32.
Variant type: single nucleotide variant.
Coding change: c.853-8C>A on transcript NM_001322934.2 (MANE Select); 8 bases into the intron before coding-DNA position 853, C replaced by A.
Molecular consequence: intron variant.
Genome position (GRCh38, 1-based): chr10:102,398,377, C>A. VCF-style: chr10-102398377-C-A. GRCh37 (hg19) VCF-style: chr10-104158134-C-A.
Other names: c.853-8C>A (NM_001288724.1, NM_001322935.1, NM_001077494.3 and 2 more transcripts).
Identifiers: ClinVar variation 1601202 (VCV001601202.10), dbSNP rs749266689, ClinGen allele CA5664675.